The following is an entry in ClinVar:

ClinVar aggregate classification (germline): Uncertain significance (1 of 4 stars; one submission).

Allele frequency attached by ClinVar (database versions not stated): gnomAD 0.00001; gnomAD exomes 0.00002; TOPMed 0.00002; ExAC 0.00003; ESP Exome Variant Server 0.00008; 1000 Genomes Project 30x 0.00016; 1000 Genomes Project 0.00020.
gnomAD v4.1: 13 of 1,613,992 alleles (0.00081%); highest among the groups gnomAD compares: East Asian, 0.018%; no homozygotes.

Submission:

CeGaT Center for Human Genetics Tuebingen
Classification: Uncertain significance. Last evaluated: 2024-01-01. Review status: criteria provided, single submitter. Criteria: CeGaT Center For Human Genetics Tuebingen Variant Classification Criteria Version 2. Collection method: clinical testing. Allele origin: germline. Affected: yes. Observed: 1 variant allele.
Comment: DST: PM2, BP4

NM_001374736.1(DST):c.15808A>G (p.Asn5270Asp)

Gene: DST (dystonin; minus strand). Cytogenetic location: 6p12.1.
Variant type: single nucleotide variant.
Coding change: c.15808A>G on transcript NM_001374736.1 (MANE Select); coding-DNA position 15808, A replaced by G.
Protein change: p.Asn5270Asp; replaces asparagine 5270 with aspartic acid.
Molecular consequence: missense variant.
Genome position (GRCh38, 1-based): chr6:56,552,984, T>C on the plus strand (A>G on the coding strand, the complement: DST is on the minus strand). VCF-style: chr6-56552984-T-C. GRCh37 (hg19) VCF-style: chr6-56417782-T-C.
Other names: c.9451A>G, p.Asn3151Asp (NM_001144769.5); c.9037A>G, p.Asn3013Asp (NM_001144770.2); c.15808A>G, p.Asn5270Asp (NM_001374722.1); c.15175A>G, p.Asn5059Asp (NM_001374729.1); c.8917A>G, p.Asn2973Asp (NM_001374730.1, NM_001386100.1, NM_183380.4); c.15835A>G, p.Asn5279Asp (NM_001374734.1); c.7939A>G, p.Asn2647Asp (NM_015548.5); short protein forms N2647D, N2973D, N3013D, N3151D, N5059D, N5270D, N5279D.
Identifiers: ClinVar variation 3025104 (VCV003025104.22), dbSNP rs200056040, ClinGen allele CA3867767.